The following is an entry in ClinVar:

NM_003001.5(SDHC):c.6del (p.Ala3fs)

Gene: SDHC (succinate dehydrogenase complex subunit C; plus strand). Cytogenetic location: 1q23.3.
Variant type: Deletion.
Coding change: c.6del on transcript NM_003001.5 (MANE Select); coding-DNA position 6, one base deleted (T; older notation c.6delT).
Protein change: p.Ala3fs; shifts the reading frame from alanine 3.
Molecular consequence: frameshift variant.
Genome position (GRCh38, 1-based): chr1:161,314,411, T deleted. VCF-style (leftmost placement, unchanged base first): chr1-161314410-CT-C. GRCh37 (hg19) VCF-style: chr1-161284200-CT-C.
Other names: c.6delT, p.Ala3Argfs (NM_001035511.3, NM_001035512.3, NM_001035513.3 and 6 more transcripts); c.-555delT (NM_001407119.1); c.-224delT (NM_001407120.1); short protein forms A3fs.
Identifiers: ClinVar variation 189840 (VCV000189840.4), dbSNP rs786205146, ClinGen allele CA016383.

ClinVar aggregate classification (germline): Pathogenic. Review status: criteria provided, single submitter (1 of 4 stars). 2 submissions from 2 submitters: Pathogenic (1). 1 of the submissions does not count toward it. Last evaluated 2013-05-08.

Conditions:
Carney triad. Also called: GASTRIC LEIOMYOSARCOMA, PULMONARY CHONDROMA, AND EXTRAADRENAL PARAGANGLIOMA. Identifiers: Orphanet 139411, MedGen C1858592, MONDO:0011424, OMIM 604287.
Hereditary cancer-predisposing syndrome. Also called: Hereditary Cancer Syndrome; Neoplastic Syndromes, Hereditary; Hereditary neoplastic syndrome; Tumor predisposition. Identifiers: Orphanet 140162, MedGen C0027672, MeSH D009386, MONDO:0015356.

Submissions (2):

Ambry Genetics
Classification: Pathogenic for Hereditary cancer-predisposing syndrome. Last evaluated: 2013-05-08. Review status: criteria provided, single submitter. Criteria: Ambry Autosomal Dominant and X-Linked criteria (10/2015). Collection method: clinical testing. Allele origin: germline. Observed: 1 variant allele.
Comment: This alteration is expected to result in loss of function by premature protein truncation or nonsense-mediatedâ€¯mRNAâ€¯decay.â€¯As such, this alteration is interpreted as a disease-causing mutation.

Section on Endocrinology and Genetics, National Institutes of Health / The Eunice Kennedy Shriver National Institute of Child Health and Human Development
Classification: Likely pathogenic for Carney triad. Review status: no assertion criteria provided. Collection method: clinical testing. Allele origin: germline. Affected: yes. Observed: 1 heterozygote. Study: Carney Triad. Not counted in ClinVar's aggregate classification.
Comment: rare cases of SDHx mutations in Carney Triad